The following is an entry in ClinVar:

NM_018082.6(POLR3B):c.2005G>C (p.Ala669Pro)

Gene: POLR3B (RNA polymerase III subunit B; plus strand). Cytogenetic location: 12q23.3.
Variant type: single nucleotide variant.
Coding change: c.2005G>C on transcript NM_018082.6 (MANE Select); coding-DNA position 2005, G replaced by C.
Protein change: p.Ala669Pro; replaces alanine 669 with proline.
Molecular consequence: missense variant.
Genome position (GRCh38, 1-based): chr12:106,444,512, G>C. VCF-style: chr12-106444512-G-C. GRCh37 (hg19) VCF-style: chr12-106838290-G-C.
Other names: c.1831G>C, p.Ala611Pro (NM_001160708.2); short protein forms A611P, A669P.
Identifiers: ClinVar variation 2643260 (VCV002643260.24), dbSNP rs1565898536, ClinGen allele CA386391240.

ClinVar aggregate classification (germline): Uncertain significance (1 of 4 stars; one submission).

Allele frequency attached by ClinVar (database versions not stated): gnomAD exomes below 0.00001.
gnomAD v4.1: 1 of 1,613,904 alleles (0.000062%); highest among the groups gnomAD compares: Non-Finnish European, 0.000085%; no homozygotes.

Submission:

CeGaT Center for Human Genetics Tuebingen
Classification: Uncertain significance. Last evaluated: 2023-08-01. Review status: criteria provided, single submitter. Criteria: CeGaT Center For Human Genetics Tuebingen Variant Classification Criteria Version 2. Collection method: clinical testing. Allele origin: germline. Affected: yes. Observed: 1 variant allele.
Comment: POLR3B: PP3